The following is an entry in ClinVar:

ClinVar aggregate classification (germline): Uncertain significance (1 of 4 stars; one submission).

Conditions:
Aicardi-Goutieres syndrome 6 (AGS6). Identifiers: Orphanet 51, MedGen C3539013, MONDO:0014007, OMIM 615010.
Symmetrical dyschromatosis of extremities (DSH). Also called: Dyschromatosis symmetrica hereditaria; DYSCHROMATOSIS SYMMETRICA HEREDITARIA 1; RETICULATE ACROPIGMENTATION OF DOHI; SYMMETRIC DYSCHROMATOSIS OF THE EXTREMITIES. Identifiers: Orphanet 41, MedGen C0406775, MONDO:0007483, OMIM 127400.

Allele frequency attached by ClinVar (database versions not stated): gnomAD exomes below 0.00001.
gnomAD v4.1: 2 of 1,613,142 alleles (0.00012%); highest among the groups gnomAD compares: African/African-American, 0.0027%; no homozygotes.

Submission:

Labcorp Genetics (formerly Invitae), Labcorp
Classification: Uncertain significance for Aicardi-Goutieres syndrome 6; Symmetrical dyschromatosis of extremities. Last evaluated: 2022-09-27. Review status: criteria provided, single submitter. Criteria: Invitae Variant Classification Sherloc (09022015). Collection method: clinical testing. Allele origin: germline.
Comment: In summary, the available evidence is currently insufficient to determine the role of this variant in disease. Therefore, it has been classified as a Variant of Uncertain Significance. Algorithms developed to predict the effect of sequence changes on RNA splicing suggest that this variant may disrupt the consensus splice site. This variant has not been reported in the literature in individuals affected with ADAR-related conditions. This variant is not present in population databases (gnomAD no frequency). This sequence change falls in intron 9 of the ADAR gene. It does not directly change the encoded amino acid sequence of the ADAR protein.

NM_001111.5(ADAR):c.2762+9G>A

Genes: ADAR (adenosine deaminase RNA specific; minus strand), LOC126805874 (CDK7 strongly-dependent group 2 enhancer GRCh37_chr1:154561176-154562375; plus strand). Cytogenetic location: 1q21.3.
Variant type: single nucleotide variant.
Coding change: c.2762+9G>A on transcript NM_001111.5 (MANE Select); 9 bases into the intron after coding-DNA position 2762, G replaced by A.
Molecular consequence: intron variant.
Genome position (GRCh38, 1-based): chr1:154,589,360, C>T on the plus strand (G>A on the coding strand, the complement: ADAR is on the minus strand). VCF-style: chr1-154589360-C-T. GRCh37 (hg19) VCF-style: chr1-154561836-C-T.
Other names: c.1877+9G>A (NM_001365046.1, NM_001025107.3, NM_001365048.1 and 2 more transcripts); c.2789+9G>A (NM_001365045.1); c.1799+9G>A (NM_001365049.1); c.2627+9G>A (NM_015841.4); c.2684+9G>A (NM_015840.4).
Identifiers: ClinVar variation 1897057 (VCV001897057.5), dbSNP rs2526505356, ClinGen allele CA2580061106.